The following is an entry in ClinVar:

ClinVar aggregate classification (germline): Likely benign (1 of 4 stars; one submission).

Conditions:
NYNRIN-related disorder. Also called: NYNRIN-related condition.

gnomAD v4.1: 2,091 of 1,462,906 alleles (0.14%); highest among the groups gnomAD compares: Middle Eastern, 0.31%; 3 homozygotes.

Submission:

PreventionGenetics, part of Exact Sciences
Classification: Likely benign for NYNRIN-related condition. Last evaluated: 2025-07-24. Review status: criteria provided, single submitter. Criteria: ACMG Guidelines, 2015. Collection method: clinical testing. Allele origin: germline.
Comment: This variant is classified as likely benign based on ACMG/AMP sequence variant interpretation guidelines (Richards et al. 2015 PMID: 25741868, with internal and published modifications).

NM_025081.3(NYNRIN):c.*7G>A

Gene: NYNRIN (NYN domain and retroviral integrase containing; plus strand). Cytogenetic location: 14q12.
Variant type: single nucleotide variant.
Coding change: c.*7G>A on transcript NM_025081.3 (MANE Select); 7 bases downstream of the stop codon, G replaced by A.
Molecular consequence: 3 prime UTR variant.
Genome position (GRCh38, 1-based): chr14:24,417,453, G>A. VCF-style: chr14-24417453-G-A. GRCh37 (hg19) VCF-style: chr14-24886659-G-A.
Identifiers: ClinVar variation 4980840 (VCV004980840.1).